The following is an entry in ClinVar:

ClinVar aggregate classification (germline): Pathogenic (1 of 4 stars; one submission).

Conditions:
CDKL5 disorder. Identifiers: MedGen CN296942, MONDO:0100039.

Submission:

Centre for Population Genomics, CPG
Classification: Pathogenic for CDKL5 disorder. Last evaluated: 2024-09-18. Review status: criteria provided, single submitter. Criteria: McKnight et al. (Hum Mutat. 2022). Collection method: curation. Allele origin: germline. Inheritance: X-linked inheritance.
Comment: This variant has been collected from RettBASE and curated to current modified ACMG/AMP criteria. Based on the classification scheme defined by the ClinGen Rett/Angelman-like Expert Panel for Rett/AS-like Disorders Specifications to the ACMG/AMP Variant Interpretation Guidelines VCEP 3.0, this variant is classified as pathogenic. At least the following criteria are met: Predicted to result in loss of function, and LOF is a known mechanism of disease (PVS1). At least one individual with this variant has been reported with a clinical phenotype consistent with CDKL5- related condition (PP4). PMID:24564546 This variant is absent from gnomAD v4 (PM2_Supporting).

NM_001323289.2(CDKL5):c.2360del (p.Lys787fs)

Gene: CDKL5 (cyclin dependent kinase like 5; plus strand). Cytogenetic location: Xp22.13.
Variant type: Deletion.
Coding change: c.2360del on transcript NM_001323289.2 (MANE Select); coding-DNA position 2360, one base deleted (A; older notation c.2360delA).
Protein change: p.Lys787fs; shifts the reading frame from lysine 787.
Molecular consequence: frameshift variant.
Genome position (GRCh38, 1-based): chrX:18,619,950, A deleted; the last of 5 consecutive A bases (chrX:18,619,946-18,619,950); deleting any one gives the same sequence. VCF-style (leftmost placement, unchanged base first): chrX-18619945-GA-G. GRCh37 (hg19) VCF-style: chrX-18638065-GA-G.
Other names: NM_003159.3:c.2360del; c.2360del, p.Lys787fs (NM_001037343.2, NM_003159.3); short protein forms K787fs.
Identifiers: ClinVar variation 3344002 (VCV003344002.1).
Genomic context (GRCh38, chrX:18,619,945, plus strand): 5'-TAGTCATTCAGAGCAACTCAAGGAAAAAGAGAAGCAAGGATTTTTCAGGTCAATGAAAAA[GA>G]AAAAGAAGAAATCTCAAACAGTAAGTAGATGACCAGTTTCTATATATAATAACATGTTTC-3'